The following is an entry in ClinVar:

ClinVar aggregate classification (germline): Pathogenic (1 of 4 stars; one submission).

Allele frequency attached by ClinVar (database versions not stated): gnomAD 0.00001.
gnomAD v4.1: 2 of 1,613,734 alleles (0.00012%); highest among the groups gnomAD compares: East Asian, 0.0045%; no homozygotes.

Submission:

Labcorp Genetics (formerly Invitae), Labcorp
Classification: Pathogenic. Last evaluated: 2024-01-04. Review status: criteria provided, single submitter. Criteria: Invitae Variant Classification Sherloc (09022015). Collection method: clinical testing. Allele origin: germline.
Comment: This sequence change creates a premature translational stop signal (p.Trp25*) in the HOGA1 gene. It is expected to result in an absent or disrupted protein product. Loss-of-function variants in HOGA1 are known to be pathogenic (PMID: 22391140, 22781098). This variant is present in population databases (no rsID available, gnomAD 0.1%). This variant has not been reported in the literature in individuals affected with HOGA1-related conditions. ClinVar contains an entry for this variant (Variation ID: 848856). For these reasons, this variant has been classified as Pathogenic.

Literature cited by the submitters: PubMed 22391140; PubMed 22781098.

NM_138413.4(HOGA1):c.75G>A (p.Trp25Ter)

Gene: HOGA1 (4-hydroxy-2-oxoglutarate aldolase 1; plus strand). Cytogenetic location: 10q24.2.
Variant type: single nucleotide variant.
Coding change: c.75G>A on transcript NM_138413.4 (MANE Select); coding-DNA position 75, G replaced by A.
Protein change: p.Trp25Ter; replaces tryptophan 25 with a stop codon.
Molecular consequence: nonsense.
Genome position (GRCh38, 1-based): chr10:97,584,778, G>A. VCF-style: chr10-97584778-G-A. GRCh37 (hg19) VCF-style: chr10-99344535-G-A.
Other names: c.75G>A, p.Trp25Ter (NM_001134670.2); short protein forms W25*.
Identifiers: ClinVar variation 848856 (VCV000848856.10), dbSNP rs1267512916, ClinGen allele CA377967210.